The following is an entry in ClinVar:

ClinVar aggregate classification (germline): Uncertain significance (1 of 4 stars; one submission).

Allele frequency attached by ClinVar (database versions not stated): gnomAD 0.00001.

Submission:

Labcorp Genetics (formerly Invitae), Labcorp
Classification: Uncertain significance. Last evaluated: 2026-01-15. Review status: criteria provided, single submitter. Criteria: Invitae Variant Classification Sherloc (09022015). Collection method: clinical testing. Allele origin: germline.
Comment: This sequence change replaces alanine, which is neutral and non-polar, with threonine, which is neutral and polar, at codon 264 of the SRP54 protein (p.Ala264Thr). This variant is not present in population databases (gnomAD no frequency). This variant has not been reported in the literature in individuals affected with SRP54-related conditions. ClinVar contains an entry for this variant (Variation ID: 1055558). Invitae Evidence Modeling of protein sequence and biophysical properties (such as structural, functional, and spatial information, amino acid conservation, physicochemical variation, residue mobility, and thermodynamic stability) indicates that this missense variant is expected to disrupt SRP54 protein function with a positive predictive value of 80%. Algorithms developed to predict the effect of sequence changes on RNA splicing suggest that this variant may disrupt the consensus splice site. In summary, the available evidence is currently insufficient to determine the role of this variant in disease. Therefore, it has been classified as a Variant of Uncertain Significance.

NM_003136.4(SRP54):c.790G>A (p.Ala264Thr)

Gene: SRP54 (signal recognition particle 54; plus strand). Cytogenetic location: 14q13.2.
Variant type: single nucleotide variant.
Coding change: c.790G>A on transcript NM_003136.4 (MANE Select); coding-DNA position 790, G replaced by A.
Protein change: p.Ala264Thr; replaces alanine 264 with threonine.
Molecular consequence: missense variant.
Genome position (GRCh38, 1-based): chr14:35,013,806, G>A. VCF-style: chr14-35013806-G-A. GRCh37 (hg19) VCF-style: chr14-35483012-G-A.
Other names: c.643G>A, p.Ala215Thr (NM_001146282.2); short protein forms A215T, A264T.
Identifiers: ClinVar variation 1055558 (VCV001055558.10), dbSNP rs756132942, ClinGen allele CA258819192.